The following is an entry in ClinVar:

NM_003114.5(SPAG1):c.2281-1_2281del

Gene: SPAG1 (sperm associated antigen 1; plus strand). Cytogenetic location: 8q22.2.
Variant type: Deletion.
Coding change: c.2281-1_2281del on transcript NM_003114.5 (MANE Select); the canonical splice acceptor site of the intron before coding-DNA position 2281 through coding-DNA position 2281, 2 bases deleted (GG; older notation c.2281-1_2281delGG).
Molecular consequence: splice acceptor variant.
Genome position (GRCh38, 1-based): chr8:100,240,402-100,240,403, GG deleted. VCF-style (leftmost placement, unchanged base first): chr8-100240401-AGG-A. GRCh37 (hg19) VCF-style: chr8-101252629-AGG-A.
Other names: c.2281-1_2281del (NM_001374321.1, NM_172218.3).
Identifiers: ClinVar variation 3647246 (VCV003647246.2).

ClinVar aggregate classification (germline): Likely pathogenic (1 of 4 stars; one submission).

Conditions:
Primary ciliary dyskinesia 28. Also called: CILIARY DYSKINESIA, PRIMARY, 28, WITH OR WITHOUT SITUS INVERSUS. Identifiers: Orphanet 244, MedGen C3809706, MONDO:0014216, OMIM 615505.

Submission:

Labcorp Genetics (formerly Invitae), Labcorp
Classification: Likely pathogenic for Primary ciliary dyskinesia 28. Last evaluated: 2024-03-21. Review status: criteria provided, single submitter. Criteria: Invitae Variant Classification Sherloc (09022015). Collection method: clinical testing. Allele origin: germline.
Comment: This variant results in the deletion of part of exon 18 (c.2281-1_2281del) of the SPAG1 gene. It is expected to disrupt RNA splicing. Variants that disrupt the donor or acceptor splice site typically lead to a loss of protein function (PMID: 16199547), and loss-of-function variants in SPAG1 are known to be pathogenic (PMID: 24055112). This variant is not present in population databases (gnomAD no frequency). This variant has not been reported in the literature in individuals affected with SPAG1-related conditions. Algorithms developed to predict the effect of sequence changes on RNA splicing suggest that this variant may disrupt the consensus splice site. In summary, the currently available evidence indicates that the variant is pathogenic, but additional data are needed to prove that conclusively. Therefore, this variant has been classified as Likely Pathogenic.

Literature cited by the submitters: PubMed 16199547; PubMed 24055112.